The following is an entry in ClinVar:

ClinVar aggregate classification (germline): Likely pathogenic (1 of 4 stars; one submission).

Conditions:
PCWH syndrome. Also called: WAARDENBURG-SHAH SYNDROME, NEUROLOGIC VARIANT. Identifiers: Orphanet 163746, MedGen C1836727, MONDO:0012198, OMIM 609136.
Waardenburg syndrome type 2E (WS2E). Also called: WAARDENBURG SYNDROME, TYPE 2E, WITH OR WITHOUT NEUROLOGIC INVOLVEMENT; WS2E, WITH OR WITHOUT NEUROLOGIC INVOLVEMENT; HYPOGONADOTROPIC HYPOGONADISM WITH ANOSMIA AND DEAFNESS, WITH OR WITHOUT HYPOPIGMENTATION. Identifiers: Orphanet 3440, MedGen C2700405, MONDO:0012698, OMIM 611584.
Waardenburg syndrome type 4C (WS4C). Also called: WAARDENBURG SYNDROME WITH HIRSCHSPRUNG DISEASE, TYPE 4C. Identifiers: Orphanet 897, MedGen C2750452, MONDO:0013202, OMIM 613266.

Submission:

Molecular Genetics Department, Kulakov National Medical Research Center for Obstetrics, Gynecology and Perinatology
Classification: Likely pathogenic for PCWH syndrome; Waardenburg syndrome type 2E; Waardenburg syndrome type 4C. Review status: criteria provided, single submitter. Criteria: ACMG Guidelines, 2015. Collection method: clinical testing. Allele origin: germline. Affected: yes. Observed: 1 variant allele.
Comment: A previously undescribed heterozygous nucleotide variant creates a premature translation stop signal p.Glu194Ter in the SOX10 gene. Heterozygous variants are reported in patients with PCWH syndrome, 609136; Waardenburg syndrome, type 2E, with or without neurologic involvement, 611584; Waardenburg syndrome, type 4C, 613266. The variant is not present in population database (gnomAD no frequency). In summary, the currently available evidence indicates that the variant is pathogenic, but additional data are needed to prove that conclusively. Therefore, this variant has been classified as likely pathogenic.

NM_006941.4(SOX10):c.580G>T (p.Glu194Ter)

Genes: POLR2F (RNA polymerase II, I and III subunit F; plus strand), SOX10 (SRY-box transcription factor 10; minus strand). Cytogenetic location: 22q13.1.
Variant type: single nucleotide variant.
Coding change: c.580G>T on transcript NM_006941.4 (MANE Select); coding-DNA position 580, G replaced by T.
Protein change: p.Glu194Ter; replaces glutamic acid 194 with a stop codon.
Molecular consequence: nonsense. On other transcripts: intron variant (3).
Genome position (GRCh38, 1-based): chr22:37,977,984, C>A on the plus strand (G>T on the coding strand, the complement: SOX10 is on the minus strand). VCF-style: chr22-37977984-C-A. GRCh37 (hg19) VCF-style: chr22-38373991-C-A.
Other names: c.*38+5674C>A (NM_001363825.1); c.294-8170C>A (NM_001301130.2); c.293+10814C>A (NM_001301131.2); short protein forms E194*.
Identifiers: ClinVar variation 4294480 (VCV004294480.1).